The following is an entry in ClinVar:

NM_024675.4(PALB2):c.832C>G (p.Leu278Val)

Gene: PALB2 (partner and localizer of BRCA2; minus strand). Cytogenetic location: 16p12.2.
Variant type: single nucleotide variant.
Coding change: c.832C>G on transcript NM_024675.4 (MANE Select); coding-DNA position 832, C replaced by G.
Protein change: p.Leu278Val; replaces leucine 278 with valine.
Molecular consequence: missense variant.
Genome position (GRCh38, 1-based): chr16:23,635,714, G>C on the plus strand (C>G on the coding strand, the complement: PALB2 is on the minus strand). VCF-style: chr16-23635714-G-C. GRCh37 (hg19) VCF-style: chr16-23647035-G-C.
Other names: short protein forms L278V.
Identifiers: ClinVar variation 126773 (VCV000126773.3), dbSNP rs515726128, ClinGen allele CA269651.
Genomic context (GRCh38, chr16:23,635,714, plus strand): 5'-CAGTCATTTTTTTGCCTTGTGCCTCCAAACTTACAGGTGAAGTAAATCTAATGTTTTTTA[G>C]GTCGTGAGTAGTAAGTTCACTGCTACCTTTAGGAGGAATGTGTTCAAGGTGCTGACTACT-3'
Protein context (NP_078951.2, residues 268-288): KGSSELTTHD[Leu278Val]KNIRFTSPVS

ClinVar aggregate classification (germline): Uncertain significance (0 of 4 stars; one submission).

Conditions:
Familial cancer of breast. Also called: BREAST CANCER, FAMILIAL; hereditary breast carcinoma; Hereditary breast cancer. Identifiers: Orphanet 227535, MedGen C0346153, MONDO:0016419, OMIM 114480. Disease mechanism: loss of function.

Submission:

Leiden Open Variation Database
Classification: Uncertain significance for Familial cancer of breast. Last evaluated: 2019-05-13. Review status: no assertion criteria provided. Collection method: curation. Allele origin: germline. Affected: yes.
Comment: Curators: Marc Tischkowitz, Arleen D. Auerbach. Submitter to LOVD: Marc Tischkowitz.

Literature cited by the submitters: PubMed 22241545.